The following is an entry in ClinVar:

ClinVar aggregate classification (germline): Benign (1 of 4 stars; one submission).

Submission:

CeGaT Center for Human Genetics Tuebingen
Classification: Benign. Last evaluated: 2022-04-01. Review status: criteria provided, single submitter. Criteria: CeGaT Center For Human Genetics Tuebingen Variant Classification Criteria Version 2. Collection method: clinical testing. Allele origin: germline. Affected: yes. Observed: 8 variant alleles.
Comment: ZEB2: BS1, BS2

NC_000002.12:g.144520475_144520477dup

Genes: ZEB2 (zinc finger E-box binding homeobox 2; minus strand), ZEB2-AS1 (ZEB2 antisense RNA 1; plus strand). Cytogenetic location: 2q22.3.
Variant type: Duplication.
Genome position: GRCh38 VCF-style: chr2-144520469-A-ACCC. GRCh37 (hg19) VCF-style: chr2-145278036-A-ACCC.
Identifiers: ClinVar variation 1675791 (VCV001675791.33), dbSNP rs1303890891, ClinGen allele CA537031764.